The following is an entry in ClinVar:

ClinVar aggregate classification (germline): Uncertain significance (1 of 4 stars; one submission).

Conditions:
ALMS1-related disorder. Also called: ALMS1-related condition.

Allele frequency attached by ClinVar (database versions not stated): TOPMed below 0.00001.

Submission:

PreventionGenetics, part of Exact Sciences
Classification: Uncertain significance for ALMS1-related condition. Last evaluated: 2023-11-13. Review status: criteria provided, single submitter. Criteria: ACMG Guidelines, 2015. Collection method: clinical testing. Allele origin: germline.
Comment: The ALMS1 c.281C>T variant is predicted to result in the amino acid substitution p.Pro94Leu. To our knowledge, this variant has not been reported in the literature. This variant is reported in 0.0066% of alleles in individuals of European (Non-Finnish) descent in gnomAD. At this time, the clinical significance of this variant is uncertain due to the absence of conclusive functional and genetic evidence.

NM_001378454.1(ALMS1):c.278C>T (p.Pro93Leu)

Gene: ALMS1 (ALMS1 centrosome and basal body associated protein; plus strand). Cytogenetic location: 2p13.1.
Variant type: single nucleotide variant.
Coding change: c.278C>T on transcript NM_001378454.1 (MANE Select); coding-DNA position 278, C replaced by T.
Protein change: p.Pro93Leu; replaces proline 93 with leucine.
Molecular consequence: missense variant.
Genome position (GRCh38, 1-based): chr2:73,386,146, C>T. VCF-style: chr2-73386146-C-T. GRCh37 (hg19) VCF-style: chr2-73613274-C-T.
Other names: c.281C>T, p.Pro94Leu (NM_015120.4); short protein forms P93L, P94L.
Identifiers: ClinVar variation 3057604 (VCV003057604.1), dbSNP rs538598970, ClinGen allele CA347250981.